The following is an entry in ClinVar:

NM_000092.5(COL4A4):c.2164G>A (p.Gly722Ser)

Gene: COL4A4 (collagen type IV alpha 4 chain; minus strand). Cytogenetic location: 2q36.3.
Variant type: single nucleotide variant.
Coding change: c.2164G>A on transcript NM_000092.5 (MANE Select); coding-DNA position 2164, G replaced by A.
Protein change: p.Gly722Ser; replaces glycine 722 with serine.
Molecular consequence: missense variant.
Genome position (GRCh38, 1-based): chr2:227,060,136, C>T on the plus strand (G>A on the coding strand, the complement: COL4A4 is on the minus strand). VCF-style: chr2-227060136-C-T. GRCh37 (hg19) VCF-style: chr2-227924852-C-T.
Other names: short protein forms G722S.
Identifiers: ClinVar variation 4687983 (VCV004687983.1).

ClinVar aggregate classification (germline): Likely pathogenic (1 of 4 stars; one submission).

Conditions:
Autosomal recessive Alport syndrome (ATS2). Also called: ALPORT SYNDROME 2, AUTOSOMAL RECESSIVE; COL4A4 Alport Syndrome and Thin Basement Membrane Nephropathy; COL4A3-Related Nephropathy; Alport syndrome type 2. Identifiers: Orphanet 63, Orphanet 88919, MedGen C4746745, MONDO:0008762, OMIM 203780.

Submission:

Human Genetics Bochum, Ruhr University Bochum
Classification: Likely pathogenic for Autosomal recessive Alport syndrome. Last evaluated: 2024-08-20. Review status: criteria provided, single submitter. Criteria: ACMG Guidelines, 2015. Collection method: clinical testing. Allele origin: germline. Affected: yes.
Comment: ACMG criteria used to clasify this variant: PP3_STR, PM1_SUP, PM2_SUP